The following is an entry in ClinVar:

ClinVar aggregate classification (germline): Conflicting classifications of pathogenicity. Review status: criteria provided, conflicting classifications (1 of 4 stars). 5 submissions from 5 submitters: Uncertain significance (1); Likely benign (2). 2 of the submissions do not count toward it. Last evaluated 2026-01-28.

Conditions:
HPS3-related disorder. Also called: HPS3-related condition.
Hermansky-Pudlak syndrome (HPS). Also called: ALBINISM WITH HEMORRHAGIC DIATHESIS AND PIGMENTED RETICULOENDOTHELIAL CELLS. Identifiers: Orphanet 79430, MedGen C0079504, MONDO:0019312.
Hermansky-Pudlak syndrome 3 (HPS3). Identifiers: Orphanet 231512, Orphanet 79430, MedGen C3888001, MONDO:0013555, OMIM 614072.

Allele frequency attached by ClinVar (database versions not stated): gnomAD exomes 0.00013 and 0.00061; gnomAD 0.00021 and 0.00024; ESP Exome Variant Server 0.00023; TOPMed 0.00036; 1000 Genomes Project 30x 0.00047; ExAC 0.00055; 1000 Genomes Project 0.00060.
gnomAD v4.1: 225 of 1,605,760 alleles (0.014%); highest among the groups gnomAD compares: Admixed American, 0.29%; no homozygotes.

Submissions (5):

Labcorp Genetics (formerly Invitae), Labcorp
Classification: Likely benign. Last evaluated: 2026-01-28. Review status: criteria provided, single submitter. Criteria: Invitae Variant Classification Sherloc (09022015). Collection method: clinical testing. Allele origin: germline.

Department of Pathology and Laboratory Medicine, Sinai Health System
Classification: Uncertain significance for Hermansky-Pudlak syndrome 3. Last evaluated: 2022-04-08. Review status: criteria provided, single submitter. Criteria: ACMG Guidelines, 2015. Collection method: research. Allele origin: germline.

Illumina Laboratory Services, Illumina
Classification: Likely benign for Hermansky-Pudlak syndrome 3. Last evaluated: 2018-01-12. Review status: criteria provided, single submitter. Criteria: ICSL Variant Classification Criteria 13 December 2019. Collection method: clinical testing. Allele origin: germline.
Comment: This variant was observed in the ICSL laboratory as part of a predisposition screen in an ostensibly healthy population. It had not been previously curated by ICSL or reported in the Human Gene Mutation Database (HGMD: prior to June 1st, 2018), and was therefore a candidate for classification through an automated scoring system. Utilizing variant allele frequency, disease prevalence and penetrance estimates, and inheritance mode, an automated score was calculated to assess if this variant is too frequent to cause the disease. Based on the score and internal cut-off values, a variant classified as likely benign is not then subjected to further curation. The score for this variant resulted in a classification of likely benign for this disease.

PreventionGenetics, part of Exact Sciences
Classification: Likely benign for HPS3-related condition. Last evaluated: 2022-04-13. Review status: no assertion criteria provided. Collection method: clinical testing. Allele origin: germline. Not counted in ClinVar's aggregate classification.
Comment: This variant is classified as likely benign based on ACMG/AMP sequence variant interpretation guidelines (Richards et al. 2015 PMID: 25741868, with internal and published modifications).

Natera, Inc.
Classification: Likely benign for Hermansky-Pudlak syndrome. Last evaluated: 2020-09-16. Review status: no assertion criteria provided. Collection method: clinical testing. Allele origin: germline. Not counted in ClinVar's aggregate classification.

NM_032383.5(HPS3):c.1821C>G (p.Ile607Met)

Gene: HPS3 (HPS3 biogenesis of lysosomal organelles complex 2 subunit 1; plus strand). Cytogenetic location: 3q24.
Variant type: single nucleotide variant.
Coding change: c.1821C>G on transcript NM_032383.5 (MANE Select); coding-DNA position 1821, C replaced by G.
Protein change: p.Ile607Met; replaces isoleucine 607 with methionine.
Molecular consequence: missense variant.
Genome position (GRCh38, 1-based): chr3:149,158,795, C>G. VCF-style: chr3-149158795-C-G. GRCh37 (hg19) VCF-style: chr3-148876582-C-G.
Other names: c.1326C>G, p.Ile442Met (NM_001308258.2); short protein forms I607M, I442M.
Identifiers: ClinVar variation 343709 (VCV000343709.19), dbSNP rs148168280, ClinGen allele CA2660188.